The following is an entry in ClinVar:

NM_177438.3(DICER1):c.4762del (p.Gly1587_Leu1588insTer)

Gene: DICER1 (dicer 1, ribonuclease III; minus strand). Cytogenetic location: 14q32.13.
Variant type: Deletion.
Coding change: c.4762del on transcript NM_177438.3 (MANE Select); coding-DNA position 4762, one base deleted (C; older notation c.4762delC).
Protein change: p.Gly1587_Leu1588insTer.
Molecular consequence: nonsense.
Genome position (GRCh38, 1-based): chr14:95,096,158, G deleted on the plus strand (C on the coding strand, the reverse complement: DICER1 is on the minus strand). VCF-style (leftmost placement, unchanged base first): chr14-95096157-AG-A. GRCh37 (hg19) VCF-style: chr14-95562494-AG-A.
Other names: c.4762delC (NM_177438.2); c.4762del, p.Gly1587_Leu1588insTer (NM_001195573.1, NM_001271282.3, NM_001291628.2 and 1 more transcripts).
Identifiers: ClinVar variation 570976 (VCV000570976.8), dbSNP rs1566754840, ClinGen allele CA891843815.

ClinVar aggregate classification (germline): Pathogenic/Likely pathogenic. Review status: criteria provided, multiple submitters, no conflicts (2 of 4 stars). 2 submissions from 2 submitters: Pathogenic (1); Likely pathogenic (1). Last evaluated 2024-05-15.

Conditions:
DICER1-related tumor predisposition. Also called: DICER1 syndrome; DICER1-related pleuropulmonary blastoma cancer predisposition syndrome. Identifiers: Orphanet 284343, MedGen C3839822, MONDO:0100216.

Submissions (2):

Labcorp Genetics (formerly Invitae), Labcorp
Classification: Pathogenic for DICER1-related tumor predisposition. Last evaluated: 2024-05-15. Review status: criteria provided, single submitter. Criteria: Invitae Variant Classification Sherloc (09022015). Collection method: clinical testing. Allele origin: germline.
Comment: This sequence change creates a premature translational stop signal (p.Leu1588*) in the DICER1 gene. It is expected to result in an absent or disrupted protein product. Loss-of-function variants in DICER1 are known to be pathogenic (PMID: 19556464, 21266384). This variant is not present in population databases (gnomAD no frequency). This variant has not been reported in the literature in individuals affected with DICER1-related conditions. ClinVar contains an entry for this variant (Variation ID: 570976). For these reasons, this variant has been classified as Pathogenic.

Institute for Genomic Medicine (IGM) Clinical Laboratory, Nationwide Children's Hospital
Classification: Likely pathogenic for DICER1-related tumor predisposition. Last evaluated: 2024-03-28. Review status: criteria provided, single submitter. Criteria: ACMG Guidelines, 2015. Collection method: clinical testing. Allele origin: germline.
Comment: This variant is predicted to result in loss of function through nonsense-mediated decay of the encoded transcript or premature truncation of the encoded protein in a gene in which loss of function is a known mechanism of disease (ACMG/AMP: PVS1). This variant is absent from or present at an exceedingly low frequency in gnomAD, a large-scale control population database (ACMG/AMP: PM2).

Literature cited by the submitters: PubMed 19556464 (cited by Labcorp Genetics (formerly Invitae), Labcorp); PubMed 21266384 (cited by Labcorp Genetics (formerly Invitae), Labcorp).